The following is an entry in ClinVar:

NM_024753.5(TTC21B):c.3191T>C (p.Ile1064Thr)

Gene: TTC21B (tetratricopeptide repeat domain 21B; minus strand). Cytogenetic location: 2q24.3.
Variant type: single nucleotide variant.
Coding change: c.3191T>C on transcript NM_024753.5 (MANE Select); coding-DNA position 3191, T replaced by C.
Protein change: p.Ile1064Thr; replaces isoleucine 1064 with threonine.
Molecular consequence: missense variant.
Genome position (GRCh38, 1-based): chr2:165,890,551, A>G on the plus strand (T>C on the coding strand, the complement: TTC21B is on the minus strand). VCF-style: chr2-165890551-A-G. GRCh37 (hg19) VCF-style: chr2-166747061-A-G.
Other names: short protein forms I1064T.
Identifiers: ClinVar variation 2168163 (VCV002168163.4), dbSNP rs1188831998, ClinGen allele CA349047988.
Genomic context (GRCh38, chr2:165,890,551, plus strand): 5'-TCCAGGTTTTCAAATACTTCACCTCCAACAGTTTCATTATCTGGATTCAAACAGATCTCT[A>G]TCATATTATAAAGGGCATTTTGGCCCCAGTCACGATCTTTCCGAGCTTTATTAAAATGTC-3'
Protein context (NP_079029.3, residues 1054-1074): DWGQNALYNM[Ile1064Thr]EICLNPDNET

ClinVar aggregate classification (germline): Uncertain significance (1 of 4 stars; one submission).

Conditions:
Nephronophthisis. Also called: Juvenile Nephronophthisis. Identifiers: Orphanet 655, MedGen C0687120, MONDO:0019005, HP:0000090.
Jeune thoracic dystrophy. Also called: Jeune syndrome; Infantile thoracic dystrophy; Thoracic pelvic phalangeal dystrophy; Jeune's syndrome; Chondroectodermal dysplasia-like syndrome; Short-rib thoracic dysplasia. Identifiers: Orphanet 474, MedGen C0265275, MONDO:0018770.

Allele frequency attached by ClinVar (database versions not stated): gnomAD exomes below 0.00001.
gnomAD v4.1: 1 of 1,613,712 alleles (0.000062%); highest among the groups gnomAD compares: Admixed American, 0.0017%; no homozygotes.

Submission:

Labcorp Genetics (formerly Invitae), Labcorp
Classification: Uncertain significance for Jeune thoracic dystrophy; Nephronophthisis. Last evaluated: 2022-07-25. Review status: criteria provided, single submitter. Criteria: Invitae Variant Classification Sherloc (09022015). Collection method: clinical testing. Allele origin: germline.
Comment: This sequence change replaces isoleucine, which is neutral and non-polar, with threonine, which is neutral and polar, at codon 1064 of the TTC21B protein (p.Ile1064Thr). This variant is present in population databases (no rsID available, gnomAD 0.003%). This variant has not been reported in the literature in individuals affected with TTC21B-related conditions. Algorithms developed to predict the effect of missense changes on protein structure and function (SIFT, PolyPhen-2, Align-GVGD) all suggest that this variant is likely to be disruptive. Algorithms developed to predict the effect of sequence changes on RNA splicing suggest that this variant may create or strengthen a splice site. In summary, the available evidence is currently insufficient to determine the role of this variant in disease. Therefore, it has been classified as a Variant of Uncertain Significance.